The following is an entry in ClinVar:

NM_007194.4(CHEK2):c.1266T>G (p.Ser422Arg)

Gene: CHEK2 (checkpoint kinase 2; minus strand). Cytogenetic location: 22q12.1.
Variant type: single nucleotide variant.
Coding change: c.1266T>G on transcript NM_007194.4 (MANE Select); coding-DNA position 1266, T replaced by G.
Protein change: p.Ser422Arg; replaces serine 422 with arginine.
Molecular consequence: missense variant.
Genome position (GRCh38, 1-based): chr22:28,695,236, A>C on the plus strand (T>G on the coding strand, the complement: CHEK2 is on the minus strand). VCF-style: chr22-28695236-A-C. GRCh37 (hg19) VCF-style: chr22-29091224-A-C.
Other names: c.1395T>G, p.Ser465Arg (NM_001005735.3); c.603T>G, p.Ser201Arg (NM_001257387.3); c.1065T>G, p.Ser355Arg (NM_001349956.3); c.1179T>G, p.Ser393Arg (NM_145862.3); short protein forms S465R, S201R, S355R, S422R, S393R.
Identifiers: ClinVar variation 2039824 (VCV002039824.5), dbSNP rs1483964791, ClinGen allele CA411096334.
Genomic context (GRCh38, chr22:28,695,236, plus strand): 5'-ACTGGTGATCTGATCCTTCAGTGACACTTGAGTCCTATGCTCAGAGAAAGGTGGATACCC[A>C]CTAAGGCTTAATATTGGTAGAGAGAGAAAGGAAAAGAAATCAAGTGGCATTCTCAGTGGC-3'
Protein context (NP_009125.1, residues 412-432): SLGVILFICL[Ser422Arg]GYPPFSEHRT

ClinVar aggregate classification (germline): Uncertain significance. Review status: criteria provided, multiple submitters, no conflicts (2 of 4 stars). 2 submissions from 2 submitters: Uncertain significance (2). Last evaluated 2025-02-06.

Conditions:
Hereditary cancer-predisposing syndrome. Also called: Neoplastic Syndromes, Hereditary; Hereditary Cancer Syndrome; Tumor predisposition; Hereditary neoplastic syndrome. Identifiers: Orphanet 140162, MedGen C0027672, MeSH D009386, MONDO:0015356.
Familial cancer of breast. Also called: BREAST CANCER, FAMILIAL; hereditary breast carcinoma; Hereditary breast cancer. Identifiers: Orphanet 227535, MedGen C0346153, MONDO:0016419, OMIM 114480. Disease mechanism: loss of function.

Allele frequency attached by ClinVar (database versions not stated): gnomAD exomes below 0.00001; TOPMed below 0.00001.
gnomAD v4.1: 1 of 1,575,438 alleles (0.000063%); highest among the groups gnomAD compares: Non-Finnish European, 0.000087%; no homozygotes.

Submissions (2):

Ambry Genetics
Classification: Uncertain significance for Hereditary cancer-predisposing syndrome. Last evaluated: 2025-02-06. Review status: criteria provided, single submitter. Criteria: Ambry Variant Classification Scheme 2023. Collection method: clinical testing. Allele origin: germline.
Comment: The p.S422R variant (also known as c.1266T>G), located in coding exon 11 of the CHEK2 gene, results from a T to G substitution at nucleotide position 1266. The serine at codon 422 is replaced by arginine, an amino acid with dissimilar properties. This amino acid position is well conserved in available vertebrate species. In addition, the in silico prediction for this alteration is inconclusive. Based on the available evidence, the clinical significance of this variant remains unclear.

Labcorp Genetics (formerly Invitae), Labcorp
Classification: Uncertain significance for Familial cancer of breast. Last evaluated: 2021-12-11. Review status: criteria provided, single submitter. Criteria: Invitae Variant Classification Sherloc (09022015). Collection method: clinical testing. Allele origin: germline.
Comment: In summary, the available evidence is currently insufficient to determine the role of this variant in disease. Therefore, it has been classified as a Variant of Uncertain Significance. Algorithms developed to predict the effect of missense changes on protein structure and function are either unavailable or do not agree on the potential impact of this missense change (SIFT: "Deleterious"; PolyPhen-2: "Probably Damaging"; Align-GVGD: "Class C0"). This variant has not been reported in the literature in individuals affected with CHEK2-related conditions. This variant is not present in population databases (gnomAD no frequency). This sequence change replaces serine, which is neutral and polar, with arginine, which is basic and polar, at codon 422 of the CHEK2 protein (p.Ser422Arg).